The following is an entry in ClinVar:

NM_033637.4(BTRC):c.899G>A (p.Ser300Asn)

Gene: BTRC (beta-transducin repeat containing E3 ubiquitin protein ligase; plus strand). Cytogenetic location: 10q24.32.
Variant type: single nucleotide variant.
Coding change: c.899G>A on transcript NM_033637.4 (MANE Select); coding-DNA position 899, G replaced by A.
Protein change: p.Ser300Asn; replaces serine 300 with asparagine.
Molecular consequence: missense variant.
Genome position (GRCh38, 1-based): chr10:101,532,353, G>A. VCF-style: chr10-101532353-G-A. GRCh37 (hg19) VCF-style: chr10-103292110-G-A.
Other names: c.821G>A, p.Ser274Asn (NM_001256856.2); c.791G>A, p.Ser264Asn (NM_003939.5); short protein forms S300N, S264N, S274N.
Identifiers: ClinVar variation 2715642 (VCV002715642.3), dbSNP rs755899784, ClinGen allele CA5656068.

ClinVar aggregate classification (germline): Uncertain significance (1 of 4 stars; one submission).

Allele frequency attached by ClinVar (database versions not stated): gnomAD 0.00001; gnomAD exomes 0.00002; ExAC 0.00007.
gnomAD v4.1: 25 of 1,613,686 alleles (0.0015%); highest among the groups gnomAD compares: Admixed American, 0.033%; 2 homozygotes.

Submission:

Labcorp Genetics (formerly Invitae), Labcorp
Classification: Uncertain significance. Last evaluated: 2023-09-04. Review status: criteria provided, single submitter. Criteria: Invitae Variant Classification Sherloc (09022015). Collection method: clinical testing. Allele origin: germline.
Comment: In summary, the available evidence is currently insufficient to determine the role of this variant in disease. Therefore, it has been classified as a Variant of Uncertain Significance. An algorithm developed to predict the effect of missense changes on protein structure and function (PolyPhen-2) suggests that this variant is likely to be tolerated. This variant has not been reported in the literature in individuals affected with BTRC-related conditions. This variant is present in population databases (rs755899784, gnomAD 0.04%). This sequence change replaces serine, which is neutral and polar, with asparagine, which is neutral and polar, at codon 300 of the BTRC protein (p.Ser300Asn).